The following is an entry in ClinVar:

ClinVar aggregate classification (germline): Uncertain significance (1 of 4 stars; one submission).

Conditions:
Severe combined immunodeficiency due to DNA-PKcs deficiency. Also called: IMMUNODEFICIENCY 26 WITH NEUROLOGIC ABNORMALITIES; Immunodeficiency 26 with or without neurologic abnormalities. Identifiers: Orphanet 317425, MedGen C4014833, MONDO:0014423, OMIM 615966.

gnomAD v4.1: 67 of 1,576,652 alleles (0.0042%); highest among the groups gnomAD compares: Non-Finnish European, 0.0054%; no homozygotes.

Submission:

Labcorp Genetics (formerly Invitae), Labcorp
Classification: Uncertain significance for Severe combined immunodeficiency due to DNA-PKcs deficiency. Last evaluated: 2022-04-24. Review status: criteria provided, single submitter. Criteria: Invitae Variant Classification Sherloc (09022015). Collection method: clinical testing. Allele origin: germline.
Comment: This sequence change replaces proline, which is neutral and non-polar, with histidine, which is basic and polar, at codon 3749 of the PRKDC protein (p.Pro3749His). The frequency data for this variant in the population databases is considered unreliable, as metrics indicate poor data quality at this position in the gnomAD database. This variant has not been reported in the literature in individuals affected with PRKDC-related conditions. Experimental studies and prediction algorithms are not available or were not evaluated, and the functional significance of this variant is currently unknown. In summary, the available evidence is currently insufficient to determine the role of this variant in disease. Therefore, it has been classified as a Variant of Uncertain Significance.

NM_006904.7(PRKDC):c.11246C>A (p.Pro3749His)

Gene: PRKDC (protein kinase, DNA-activated, catalytic subunit; minus strand). Cytogenetic location: 8q11.21.
Variant type: single nucleotide variant.
Coding change: c.11246C>A on transcript NM_006904.7 (MANE Select); coding-DNA position 11246, C replaced by A.
Protein change: p.Pro3749His; replaces proline 3749 with histidine.
Molecular consequence: missense variant.
Genome position (GRCh38, 1-based): chr8:47,782,528, G>T on the plus strand (C>A on the coding strand, the complement: PRKDC is on the minus strand). VCF-style: chr8-47782528-G-T. GRCh37 (hg19) VCF-style: chr8-48695089-G-T.
Other names: c.11246C>A, p.Pro3749His (NM_001081640.2); short protein forms P3749H.
Identifiers: ClinVar variation 1436710 (VCV001436710.3), dbSNP rs776436426, ClinGen allele CA176142053.